The following is an entry in ClinVar:

NM_001370466.1(NOD2):c.3012C>T (p.Leu1004=)

Genes: CYLD-AS1 (CYLD antisense RNA 1; minus strand), NOD2 (nucleotide binding oligomerization domain containing 2; plus strand). Cytogenetic location: 16q12.1.
Variant type: single nucleotide variant.
Coding change: c.3012C>T on transcript NM_001370466.1 (MANE Select); coding-DNA position 3012, C replaced by T.
Protein change: p.Leu1004=; no amino-acid change (leucine 1004 retained).
Molecular consequence: synonymous variant. On other transcripts: non-coding transcript variant (1).
Genome position (GRCh38, 1-based): chr16:50,731,789, C>T. VCF-style: chr16-50731789-C-T. GRCh37 (hg19) VCF-style: chr16-50765700-C-T.
Other names: c.3012C>T, p.Leu1004= (NM_001293557.2); c.3093C>T, p.Leu1031= (NM_022162.3).
Identifiers: ClinVar variation 1622487 (VCV001622487.16), dbSNP rs201214915, ClinGen allele CA8052075.

ClinVar aggregate classification (germline): Likely benign. Review status: criteria provided, multiple submitters, no conflicts (2 of 4 stars). 2 submissions from 2 submitters: Likely benign (2). Last evaluated 2025-11-20.

Conditions:
Blau syndrome (BLAUS). Also called: GRANULOMATOSIS, FAMILIAL JUVENILE SYSTEMIC; GRANULOMATOSIS, FAMILIAL, BLAU TYPE; GRANULOMATOUS INFLAMMATORY ARTHRITIS, DERMATITIS, AND UVEITIS, FAMILIAL; JABS SYNDROME; ARTHROCUTANEOUVEAL GRANULOMATOSIS. Identifiers: Orphanet 90340, MedGen C5201146, MONDO:0008523, OMIM 186580.
Regional enteritis. Also called: Enteritis, Granulomatous. Identifiers: MedGen C0678202, MeSH D003424.

Allele frequency attached by ClinVar (database versions not stated): gnomAD 0.00002 and 0.00003; TOPMed 0.00002; ExAC 0.00003; gnomAD exomes 0.00003; 1000 Genomes Project 30x 0.00016; 1000 Genomes Project 0.00020.
gnomAD v4.1: 48 of 1,613,806 alleles (0.003%); highest among the groups gnomAD compares: South Asian, 0.0055%; no homozygotes.

Submissions (2):

Labcorp Genetics (formerly Invitae), Labcorp
Classification: Likely benign for Regional enteritis; Blau syndrome. Last evaluated: 2025-11-20. Review status: criteria provided, single submitter. Criteria: Invitae Variant Classification Sherloc (09022015). Collection method: clinical testing. Allele origin: germline.

CeGaT Center for Human Genetics Tuebingen
Classification: Likely benign. Last evaluated: 2025-06-01. Review status: criteria provided, single submitter. Criteria: CeGaT Center For Human Genetics Tuebingen Variant Classification Criteria Version 2. Collection method: clinical testing. Allele origin: germline. Affected: yes. Observed: 1 variant allele.
Comment: NOD2: BP4, BP7